The following is an entry in ClinVar:

NM_001040108.2(MLH3):c.2954A>G (p.Asp985Gly)

Gene: MLH3 (mutL homolog 3; minus strand). Cytogenetic location: 14q24.3.
Variant type: single nucleotide variant.
Coding change: c.2954A>G on transcript NM_001040108.2 (MANE Select); coding-DNA position 2954, A replaced by G.
Protein change: p.Asp985Gly; replaces aspartic acid 985 with glycine.
Molecular consequence: missense variant.
Genome position (GRCh38, 1-based): chr14:75,046,702, T>C on the plus strand (A>G on the coding strand, the complement: MLH3 is on the minus strand). VCF-style: chr14-75046702-T-C. GRCh37 (hg19) VCF-style: chr14-75513405-T-C.
Other names: c.2954A>G, p.Asp985Gly (NM_014381.3); short protein forms D985G.
Identifiers: ClinVar variation 935008 (VCV000935008.16), dbSNP rs761266398, ClinGen allele CA7275608.

ClinVar aggregate classification (germline): Uncertain significance. Review status: criteria provided, multiple submitters, no conflicts (2 of 4 stars). 2 submissions from 2 submitters: Uncertain significance (2). Last evaluated 2025-05-29.

Conditions:
Colorectal cancer, hereditary nonpolyposis, type 7. Identifiers: Orphanet 144, MedGen C1858380, MONDO:0013725, OMIM 614385.

Allele frequency attached by ClinVar (database versions not stated): ExAC 0.00001; gnomAD exomes 0.00001 and 0.00002; TOPMed 0.00001.
gnomAD v4.1: 37 of 1,614,134 alleles (0.0023%); highest among the groups gnomAD compares: Non-Finnish European, 0.003%; no homozygotes.

Submissions (2):

Ambry Genetics
Classification: Uncertain significance. Last evaluated: 2025-05-29. Review status: criteria provided, single submitter. Criteria: Ambry Variant Classification Scheme 2023. Collection method: clinical testing. Allele origin: germline.
Comment: The p.D985G variant (also known as c.2954A>G), located in coding exon 1 of the MLH3 gene, results from an A to G substitution at nucleotide position 2954. The aspartic acid at codon 985 is replaced by glycine, an amino acid with similar properties. This amino acid position is not well conserved in available vertebrate species. In addition, this alteration is predicted to be tolerated by in silico analysis. Since supporting evidence is limited at this time, the clinical significance of this alteration remains unclear.

Labcorp Genetics (formerly Invitae), Labcorp
Classification: Uncertain significance for Colorectal cancer, hereditary nonpolyposis, type 7. Last evaluated: 2024-03-03. Review status: criteria provided, single submitter. Criteria: Invitae Variant Classification Sherloc (09022015). Collection method: clinical testing. Allele origin: germline.
Comment: This sequence change replaces aspartic acid, which is acidic and polar, with glycine, which is neutral and non-polar, at codon 985 of the MLH3 protein (p.Asp985Gly). This variant is present in population databases (rs761266398, gnomAD 0.003%). This variant has not been reported in the literature in individuals affected with MLH3-related conditions. ClinVar contains an entry for this variant (Variation ID: 935008). Algorithms developed to predict the effect of missense changes on protein structure and function output the following: SIFT: "Not Available"; PolyPhen-2: "Benign"; Align-GVGD: "Not Available". The glycine amino acid residue is found in multiple mammalian species, which suggests that this missense change does not adversely affect protein function. In summary, the available evidence is currently insufficient to determine the role of this variant in disease. Therefore, it has been classified as a Variant of Uncertain Significance.